The following is an entry in ClinVar:

NM_000553.6(WRN):c.3014G>A (p.Gly1005Asp)

Gene: WRN (WRN RecQ like helicase; plus strand). Cytogenetic location: 8p12.
Variant type: single nucleotide variant.
Coding change: c.3014G>A on transcript NM_000553.6 (MANE Select); coding-DNA position 3014, G replaced by A.
Protein change: p.Gly1005Asp; replaces glycine 1005 with aspartic acid.
Molecular consequence: missense variant.
Genome position (GRCh38, 1-based): chr8:31,141,476, G>A. VCF-style: chr8-31141476-G-A. GRCh37 (hg19) VCF-style: chr8-30998992-G-A.
Other names: short protein forms G1005D.
Identifiers: ClinVar variation 528177 (VCV000528177.30), dbSNP rs1196153953, ClinGen allele CA370921853.

ClinVar aggregate classification (germline): Uncertain significance. Review status: criteria provided, multiple submitters, no conflicts (2 of 4 stars). 2 submissions from 2 submitters: Uncertain significance (2). Last evaluated 2024-06-25.

Conditions:
Werner syndrome (WRN). Identifiers: Orphanet 902, MedGen C0043119, MONDO:0010196, OMIM 277700.

Allele frequency attached by ClinVar (database versions not stated): gnomAD exomes below 0.00001 and 0.00001; TOPMed below 0.00001; gnomAD 0.00001.
gnomAD v4.1: 10 of 1,613,908 alleles (0.00062%); highest among the groups gnomAD compares: Non-Finnish European, 0.00085%; no homozygotes.

Submissions (2):

Labcorp Genetics (formerly Invitae), Labcorp
Classification: Uncertain significance for Werner syndrome. Last evaluated: 2024-06-25. Review status: criteria provided, single submitter. Criteria: Invitae Variant Classification Sherloc (09022015). Collection method: clinical testing. Allele origin: germline.
Comment: This sequence change replaces glycine, which is neutral and non-polar, with aspartic acid, which is acidic and polar, at codon 1005 of the WRN protein (p.Gly1005Asp). This variant is present in population databases (no rsID available, gnomAD 0.0009%). This variant has not been reported in the literature in individuals affected with WRN-related conditions. ClinVar contains an entry for this variant (Variation ID: 528177). An algorithm developed to predict the effect of missense changes on protein structure and function (PolyPhen-2) suggests that this variant is likely to be disruptive. In summary, the available evidence is currently insufficient to determine the role of this variant in disease. Therefore, it has been classified as a Variant of Uncertain Significance.

CeGaT Center for Human Genetics Tuebingen
Classification: Uncertain significance. Last evaluated: 2022-03-01. Review status: criteria provided, single submitter. Criteria: CeGaT Center For Human Genetics Tuebingen Variant Classification Criteria Version 2. Collection method: clinical testing. Allele origin: germline. Affected: yes. Observed: 1 variant allele.
Comment: WRN: PM2, PP3